The following is an entry in ClinVar:

NM_001846.4(COL4A2):c.2635C>A (p.Pro879Thr)

Gene: COL4A2 (collagen type IV alpha 2 chain; plus strand). Cytogenetic location: 13q34.
Variant type: single nucleotide variant.
Coding change: c.2635C>A on transcript NM_001846.4 (MANE Select); coding-DNA position 2635, C replaced by A.
Protein change: p.Pro879Thr; replaces proline 879 with threonine.
Molecular consequence: missense variant.
Genome position (GRCh38, 1-based): chr13:110,480,267, C>A. VCF-style: chr13-110480267-C-A. GRCh37 (hg19) VCF-style: chr13-111132614-C-A.
Other names: short protein forms P879T.
Identifiers: ClinVar variation 2103714 (VCV002103714.4), dbSNP rs2502157996, ClinGen allele CA388726545.

ClinVar aggregate classification (germline): Uncertain significance (1 of 4 stars; one submission).

Submission:

Labcorp Genetics (formerly Invitae), Labcorp
Classification: Uncertain significance. Last evaluated: 2022-11-01. Review status: criteria provided, single submitter. Criteria: Invitae Variant Classification Sherloc (09022015). Collection method: clinical testing. Allele origin: germline.
Comment: In summary, the available evidence is currently insufficient to determine the role of this variant in disease. Therefore, it has been classified as a Variant of Uncertain Significance. This sequence change replaces proline, which is neutral and non-polar, with threonine, which is neutral and polar, at codon 879 of the COL4A2 protein (p.Pro879Thr). This variant is not present in population databases (gnomAD no frequency). This variant has not been reported in the literature in individuals affected with COL4A2-related conditions. Advanced modeling of protein sequence and biophysical properties (such as structural, functional, and spatial information, amino acid conservation, physicochemical variation, residue mobility, and thermodynamic stability) performed at Invitae indicates that this missense variant is not expected to disrupt COL4A2 protein function.